The following is an entry in ClinVar:

NM_001036.6(RYR3):c.8731G>A (p.Val2911Ile)

Gene: RYR3 (ryanodine receptor 3; plus strand). Cytogenetic location: 15q14.
Variant type: single nucleotide variant.
Coding change: c.8731G>A on transcript NM_001036.6 (MANE Select); coding-DNA position 8731, G replaced by A.
Protein change: p.Val2911Ile; replaces valine 2911 with isoleucine.
Molecular consequence: missense variant.
Genome position (GRCh38, 1-based): chr15:33,768,683, G>A. VCF-style: chr15-33768683-G-A. GRCh37 (hg19) VCF-style: chr15-34060884-G-A.
Other names: c.8731G>A, p.Val2911Ile (NM_001243996.4); short protein forms V2911I.
Identifiers: ClinVar variation 949494 (VCV000949494.9), dbSNP rs1295193017, ClinGen allele CA391587534.

ClinVar aggregate classification (germline): Uncertain significance (1 of 4 stars; one submission).

Conditions:
Epileptic encephalopathy. Identifiers: MedGen C0543888, HP:0200134.

Allele frequency attached by ClinVar (database versions not stated): gnomAD 0.00001; gnomAD exomes 0.00001.
gnomAD v4.1: 19 of 1,613,808 alleles (0.0012%); highest among the groups gnomAD compares: South Asian, 0.0022%; no homozygotes.

Submission:

Labcorp Genetics (formerly Invitae), Labcorp
Classification: Uncertain significance for Epileptic encephalopathy. Last evaluated: 2020-03-10. Review status: criteria provided, single submitter. Criteria: Invitae Variant Classification Sherloc (09022015). Collection method: clinical testing. Allele origin: germline.
Comment: This variant is not present in population databases (ExAC no frequency). In summary, the available evidence is currently insufficient to determine the role of this variant in disease. Therefore, it has been classified as a Variant of Uncertain Significance. Algorithms developed to predict the effect of missense changes on protein structure and function are either unavailable or do not agree on the potential impact of this missense change (SIFT: "Deleterious"; PolyPhen-2: "Possibly Damaging"; Align-GVGD: "Class C0"). This variant has not been reported in the literature in individuals with RYR3-related conditions. This sequence change replaces valine with isoleucine at codon 2911 of the RYR3 protein (p.Val2911Ile). The valine residue is highly conserved and there is a small physicochemical difference between valine and isoleucine.